The following is an entry in ClinVar:

NM_030653.4(DDX11):c.818A>G (p.Lys273Arg)

Gene: DDX11 (DEAD/H-box helicase 11; plus strand). Cytogenetic location: 12p11.21.
Variant type: single nucleotide variant.
Coding change: c.818A>G on transcript NM_030653.4 (MANE Select); coding-DNA position 818, A replaced by G.
Protein change: p.Lys273Arg; replaces lysine 273 with arginine.
Molecular consequence: missense variant. On other transcripts: 5 prime UTR variant (2), non-coding transcript variant (4), intron variant (1).
Genome position (GRCh38, 1-based): chr12:31,089,428, A>G. VCF-style: chr12-31089428-A-G. GRCh37 (hg19) VCF-style: chr12-31242362-A-G.
Other names: NC_000012.11:g.31242362A>G; c.818A>G, p.Lys273Arg (NM_001413695.1, NM_001413696.1, NM_001257144.2 and 5 more transcripts); c.740A>G, p.Lys247Arg (NM_001413697.1, NM_001413698.1, NM_001413699.1 and 1 more transcripts); c.731A>G, p.Lys244Arg (NM_001413700.1); c.290A>G, p.Lys97Arg (NM_001413702.1, NM_001413703.1); c.-44A>G (NM_001413704.1, NM_001413705.1); c.-87+277A>G (NM_001413706.1); short protein forms K247R, K244R, K273R, K97R.
Identifiers: ClinVar variation 4383828 (VCV004383828.2).
Genomic context (GRCh38, chr12:31,089,428, plus strand): 5'-CATCTTTTTGCCTCTTTCTTTCTCCTTTGCTGCAGAACCTTTGTGTAAATGAAGACGTGA[A>G]AAGCCTAGGTTCTGTGCAGCTTATCAACGACCGCTGTGTGGACATGCAGAGAAGCAGGCA-3'
Protein context (NP_085911.2, residues 263-283): RQNLCVNEDV[Lys273Arg]SLGSVQLIND

ClinVar aggregate classification (germline): Uncertain significance (1 of 4 stars; one submission).

Submissions (8):

Women's Health and Genetics/Laboratory Corporation of America, LabCorp
Classification: Uncertain significance. Last evaluated: 2025-09-05. Review status: criteria provided, single submitter. Criteria: LabCorp Variant Classification Summary - May 2015. Collection method: clinical testing. Allele origin: germline.
Comment: Variant summary: DDX11 c.818A>G (p.Lys273Arg) results in a conservative amino acid change in the encoded protein sequence. Algorithms developed to predict the effect of missense changes on protein structure and function all suggest that this variant is likely to be tolerated. The frequency data for this variant in gnomAD is considered unreliable, as metrics indicate poor data quality at this position. To our knowledge, no occurrence of c.818A>G in individuals affected with DDX11-related conditions and no experimental evidence demonstrating its impact on protein function have been reported. No submitters have cited clinical-significance assessments for this variant to ClinVar. Based on the evidence outlined above, the variant was classified as uncertain significance.

Dr. Peter K. Rogan Lab, Western University
No classification provided (evidence only). Condition: Clear cell carcinoma of kidney. Review status: no classification provided. Collection method: in vitro. Allele origin: not applicable. Functional consequence: skipped exon. Not counted in ClinVar's aggregate classification.

Dr. Peter K. Rogan Lab, Western University
No classification provided (evidence only). Condition: Melanoma. Review status: no classification provided. Collection method: in vitro. Allele origin: not applicable. Functional consequence: skipped exon. Not counted in ClinVar's aggregate classification.

Dr. Peter K. Rogan Lab, Western University
No classification provided (evidence only). Condition: Familial cancer of breast. Review status: no classification provided. Collection method: in vitro. Allele origin: not applicable. Functional consequence: skipped exon, retained intron. Not counted in ClinVar's aggregate classification.

Dr. Peter K. Rogan Lab, Western University
No classification provided (evidence only). Condition: Colon adenocarcinoma. Review status: no classification provided. Collection method: in vitro. Allele origin: not applicable. Functional consequence: skipped exon, retained intron. Not counted in ClinVar's aggregate classification.

Dr. Peter K. Rogan Lab, Western University
No classification provided (evidence only). Condition: Cervical cancer. Review status: no classification provided. Collection method: in vitro. Allele origin: not applicable. Functional consequence: skipped exon. Not counted in ClinVar's aggregate classification.

Dr. Peter K. Rogan Lab, Western University
No classification provided (evidence only). Condition: Hepatocellular carcinoma. Review status: no classification provided. Collection method: in vitro. Allele origin: not applicable. Functional consequence: retained intron. Not counted in ClinVar's aggregate classification.

Dr. Peter K. Rogan Lab, Western University
No classification provided (evidence only). Condition: Hepatocellular carcinoma. Review status: no classification provided. Collection method: in vitro. Allele origin: not applicable. Functional consequence: skipped exon. Not counted in ClinVar's aggregate classification.